The following is an entry in ClinVar:

ClinVar aggregate classification (germline): Likely benign. Review status: criteria provided, multiple submitters, no conflicts (2 of 4 stars). 2 submissions from 2 submitters: Likely benign (2). Last evaluated 2017-04-27.

Conditions:
Polycystic kidney disease 2 (PKD2). Also called: Polycystic Kidney Disease 2, Autosomal Dominant; POLYCYSTIC KIDNEY DISEASE, ADULT, TYPE II; POLYCYSTIC KIDNEY DISEASE 2 WITH OR WITHOUT POLYCYSTIC LIVER DISEASE. Identifiers: MedGen C2751306, MONDO:0013131, OMIM 613095.

Allele frequency attached by ClinVar (database versions not stated): gnomAD 0.00102 and 0.00113; 1000 Genomes Project 0.00120; TOPMed 0.00131; 1000 Genomes Project 30x 0.00156.

Submissions (2):

Illumina Laboratory Services, Illumina
Classification: Likely benign for Polycystic kidney disease 2. Last evaluated: 2017-04-27. Review status: criteria provided, single submitter. Criteria: ICSL Variant Classification Criteria 13 December 2019. Collection method: clinical testing. Allele origin: germline.
Comment: This variant was observed as part of a predisposition screen in an ostensibly healthy population. A literature search was performed for the gene, cDNA change, and amino acid change (where applicable). No publications were found based on this search. Allele frequency data from public databases allowed determination this variant is unlikely to cause disease. Therefore, this variant is classified as likely benign.

Breakthrough Genomics
Classification: Likely benign. Review status: criteria provided, single submitter. Criteria: ACMG Guidelines, 2015. Collection method: not provided. Allele origin: germline. Inheritance: Autosomal dominant inheritance. Affected: yes.

NM_000297.4(PKD2):c.*1397G>A

Gene: PKD2 (polycystin 2, transient receptor potential cation channel; plus strand). Cytogenetic location: 4q22.1.
Variant type: single nucleotide variant.
Coding change: c.*1397G>A on transcript NM_000297.4 (MANE Select); 1397 bases downstream of the stop codon, G replaced by A.
Molecular consequence: 3 prime UTR variant. On other transcripts: non-coding transcript variant (1).
Genome position (GRCh38, 1-based): chr4:88,077,091, G>A. VCF-style: chr4-88077091-G-A. GRCh37 (hg19) VCF-style: chr4-88998243-G-A.
Identifiers: ClinVar variation 907426 (VCV000907426.5), dbSNP rs563444129, ClinGen allele CA15317959.
Genomic context (GRCh38, chr4:88,077,091, plus strand): 5'-TATTTCTCAAAAAAAAAAATCTTCTTTTACAGAAATGTTGAGTAAGGTGACATTTTGAGC[G>A]CTAATAAGCAAAAGAGCATGCAGTGCTGTTGAATAACCCTCACTTGGAGAACCAAGAGAA-3'